The following is an entry in ClinVar:

ClinVar aggregate classification (germline): Uncertain significance (0 of 4 stars; one submission).

Conditions:
PLXNA2-related disorder. Also called: PLXNA2-related condition.

Submission:

PreventionGenetics, part of Exact Sciences
Classification: Uncertain significance for PLXNA2-related condition. Last evaluated: 2024-02-07. Review status: no assertion criteria provided. Collection method: clinical testing. Allele origin: germline.
Comment: The PLXNA2 c.2458A>T variant is predicted to result in premature protein termination (p.Lys820*). To our knowledge, this variant has not been reported in the literature or in a large population database, indicating this variant is rare. Loss of function has not been conclusively established as a mechanism for PLXNA2-related disorders. At this time, the clinical significance of this variant is uncertain due to the absence of conclusive functional and genetic evidence.

NM_025179.4(PLXNA2):c.2458A>T (p.Lys820Ter)

Gene: PLXNA2 (plexin A2; minus strand). Cytogenetic location: 1q32.2.
Variant type: single nucleotide variant.
Coding change: c.2458A>T on transcript NM_025179.4 (MANE Select); coding-DNA position 2458, A replaced by T.
Protein change: p.Lys820Ter; replaces lysine 820 with a stop codon.
Molecular consequence: nonsense.
Genome position (GRCh38, 1-based): chr1:208,079,388, T>A on the plus strand (A>T on the coding strand, the complement: PLXNA2 is on the minus strand). VCF-style: chr1-208079388-T-A. GRCh37 (hg19) VCF-style: chr1-208252733-T-A.
Other names: short protein forms K820*.
Identifiers: ClinVar variation 3356233 (VCV003356233.1).
Genomic context (GRCh38, chr1:208,079,388, plus strand): 5'-TGGTACAGTGCTGGTGGAGGGTGCACCTGCGCTCGCCGCTGCACCAGCCACACTCAAACT[T>A]CCGGTCGGCCTTGAGGCAGAGGCCGCAGCTCTCCCGCTGGGCTGCACACTTGTAGAGATG-3'